The following is an entry in ClinVar:

ClinVar aggregate classification (germline): Uncertain significance (1 of 4 stars; one submission).

Conditions:
Duchenne muscular dystrophy (DMD). Also called: Duchenne Muscular Dystrophy (DMD); MUSCULAR DYSTROPHY, PSEUDOHYPERTROPHIC PROGRESSIVE, DUCHENNE TYPE. Identifiers: Orphanet 98896, MedGen C0013264, MONDO:0010679, OMIM 310200.

Submission:

Labcorp Genetics (formerly Invitae), Labcorp
Classification: Uncertain significance for Duchenne muscular dystrophy. Last evaluated: 2025-03-22. Review status: criteria provided, single submitter. Criteria: Invitae Variant Classification Sherloc (09022015). Collection method: clinical testing. Allele origin: germline.
Comment: This sequence change replaces threonine, which is neutral and polar, with serine, which is neutral and polar, at codon 1059 of the DMD protein (p.Thr1059Ser). This variant is not present in population databases (gnomAD no frequency). This variant has not been reported in the literature in individuals affected with DMD-related conditions. Invitae Evidence Modeling of protein sequence and biophysical properties (such as structural, functional, and spatial information, amino acid conservation, physicochemical variation, residue mobility, and thermodynamic stability) indicates that this missense variant is not expected to disrupt DMD protein function with a negative predictive value of 95%. In summary, the available evidence is currently insufficient to determine the role of this variant in disease. Therefore, it has been classified as a Variant of Uncertain Significance.

NM_004006.3(DMD):c.3176C>G (p.Thr1059Ser)

Gene: DMD (dystrophin; minus strand). Cytogenetic location: Xp21.1.
Variant type: single nucleotide variant.
Coding change: c.3176C>G on transcript NM_004006.3 (MANE Select); coding-DNA position 3176, C replaced by G.
Protein change: p.Thr1059Ser; replaces threonine 1059 with serine.
Molecular consequence: missense variant.
Genome position (GRCh38, 1-based): chrX:32,464,686, G>C on the plus strand (C>G on the coding strand, the complement: DMD is on the minus strand). VCF-style: chrX-32464686-G-C. GRCh37 (hg19) VCF-style: chrX-32482803-G-C.
Other names: c.3152C>G, p.Thr1051Ser (NM_000109.4); c.3164C>G, p.Thr1055Ser (NM_004009.3); c.2807C>G, p.Thr936Ser (NM_004010.3); short protein forms T1051S, T1055S, T1059S, T936S.
Identifiers: ClinVar variation 4800974 (VCV004800974.1).